The following is an entry in ClinVar:

NM_001267550.2(TTN):c.94437T>G (p.Tyr31479Ter)

Genes: TTN (titin; minus strand), TTN-AS1 (TTN antisense RNA 1; plus strand). Cytogenetic location: 2q31.2.
Variant type: single nucleotide variant.
Coding change: c.94437T>G on transcript NM_001267550.2 (MANE Select); coding-DNA position 94437, T replaced by G.
Protein change: p.Tyr31479Ter; replaces tyrosine 31479 with a stop codon.
Molecular consequence: nonsense.
Genome position (GRCh38, 1-based): chr2:178,547,088, A>C on the plus strand (T>G on the coding strand, the complement: TTN is on the minus strand). VCF-style: chr2-178547088-A-C. GRCh37 (hg19) VCF-style: chr2-179411815-A-C.
Other names: c.89514T>G, p.Tyr29838Ter (NM_001256850.1); c.67242T>G, p.Tyr22414Ter (NM_003319.4); c.86733T>G, p.Tyr28911Ter (NM_133378.4); c.67617T>G, p.Tyr22539Ter (NM_133432.3); c.67818T>G, p.Tyr22606Ter (NM_133437.4); short protein forms Y22606*, Y28911*, Y29838*, Y31479*, Y22414*, Y22539*.
Identifiers: ClinVar variation 2934252 (VCV002934252.6), dbSNP rs1697532441, ClinGen allele CA349473936.
Genomic context (GRCh38, chr2:178,547,088, plus strand): 5'-TCTTGAAGCTTCGCTGGCCTTGCTAACACCTGCAGCATTGAGTGCATAAGTTCTGAACTG[A>C]TATTCCAGTCCTTCTACTAAACCAGTTACTTTGTAGTTGCACTCTAAGCATGGCACTTTG-3'

ClinVar aggregate classification (germline): Likely pathogenic. Review status: criteria provided, multiple submitters, no conflicts (2 of 4 stars). 3 submissions from 3 submitters: Likely pathogenic (3). Last evaluated 2026-09-04.

Conditions:
Dilated cardiomyopathy 1G (CMD1G). Identifiers: Orphanet 154, MedGen C1858763, MONDO:0011400, OMIM 604145.
Autosomal recessive limb-girdle muscular dystrophy type 2J (LGMDR10). Also called: Limb-girdle muscular dystrophy, type 2J; MUSCULAR DYSTROPHY, LIMB-GIRDLE, AUTOSOMAL RECESSIVE 10. Identifiers: Orphanet 140922, MedGen C1837342, MONDO:0012127, OMIM 608807.

Submissions (3):

GeneDx
Classification: Likely pathogenic. Last evaluated: 2026-09-04. Review status: criteria provided, single submitter. Criteria: GeneDx Variant Classification Process June 2021. Collection method: clinical testing. Allele origin: germline.
Comment: Nonsense variant predicted to result in protein truncation or nonsense mediated decay in a gene for which loss of function is a known mechanism of disease; Located in the A-band, a region of TTN for which truncating variants are significantly associated with autosomal dominant cardiomyopathy and also with autosomal recessive skeletal myopathies (PMID: 22335739, 32778822); Reported in association with cardiomyopathy in published literature (PMID: 35653365); Not observed at significant frequency in large population cohorts (gnomAD); This variant is associated with the following publications: (PMID: 24575448, 22335739, 32778822, 35653365)

Variantyx, Inc.
Classification: Likely pathogenic for Dilated cardiomyopathy 1G. Last evaluated: 2025-07-14. Review status: criteria provided, single submitter. Criteria: Variantyx Assertion Criteria 2022. Collection method: clinical testing. Allele origin: germline. Inheritance: Autosomal dominant inheritance. Affected: yes.
Comment: This is a nonsense variant in the TTN gene (OMIM: 188840). Pathogenic variants in this gene have been associated with autosomal dominant dilated cardiomyopathy 1G. This variant introduces a premature termination codon in the A-band region of titin (exon 340 out of 363 and is expected to result in loss of function, which is a known disease mechanism for TTN in this disorder (PMID: 22335739) (PVS1). This variant is absent from control populations (PM2). Based on the current evidence, this variant is classified as likely pathogenic for autosomal dominant dilated cardiomyopathy 1G.

Labcorp Genetics (formerly Invitae), Labcorp
Classification: Likely pathogenic for Dilated cardiomyopathy 1G; Autosomal recessive limb-girdle muscular dystrophy type 2J. Last evaluated: 2025-05-04. Review status: criteria provided, single submitter. Criteria: Invitae Variant Classification Sherloc (09022015). Collection method: clinical testing. Allele origin: germline.
Comment: This sequence change creates a premature translational stop signal (p.Tyr31479*) in the TTN gene. While this is not anticipated to result in nonsense mediated decay, it is expected to create a truncated TTN protein. This variant is not present in population databases (gnomAD no frequency). This premature translational stop signal has been observed in individual(s) with dilated cardiomyopathy (PMID: 35653365). ClinVar contains an entry for this variant (Variation ID: 2934252). This variant is located in the A band of TTN (PMID: 25589632). Truncating variants in this region are significantly overrepresented in patients affected with dilated cardiomyopathy (PMID: 25589632). Truncating variants in this region have also been reported in individuals affected with autosomal recessive centronuclear myopathy (PMID: 23975875). In summary, the currently available evidence indicates that the variant is pathogenic, but additional data are needed to prove that conclusively. Therefore, this variant has been classified as Likely Pathogenic.

Literature cited by the submitters: PubMed 22335739 (cited by Variantyx, Inc.); PubMed 35653365 (cited by Labcorp Genetics (formerly Invitae), Labcorp); PubMed 25589632 (cited by Labcorp Genetics (formerly Invitae), Labcorp); PubMed 23975875 (cited by Labcorp Genetics (formerly Invitae), Labcorp).